The following is an entry in ClinVar:

NM_006767.4(LZTR1):c.1721T>G (p.Val574Gly)

Gene: LZTR1 (leucine zipper like post translational regulator 1; plus strand). Cytogenetic location: 22q11.21.
Variant type: single nucleotide variant.
Coding change: c.1721T>G on transcript NM_006767.4 (MANE Select); coding-DNA position 1721, T replaced by G.
Protein change: p.Val574Gly; replaces valine 574 with glycine.
Molecular consequence: missense variant.
Genome position (GRCh38, 1-based): chr22:20,994,663, T>G. VCF-style: chr22-20994663-T-G. GRCh37 (hg19) VCF-style: chr22-21348952-T-G.
Other names: c.1721T>G (NM_006767.3); short protein forms V574G.
Identifiers: ClinVar variation 1997593 (VCV001997593.5), dbSNP rs540861183, ClinGen allele CA322269782.

ClinVar aggregate classification (germline): Uncertain significance. Review status: criteria provided, multiple submitters, no conflicts (2 of 4 stars). 2 submissions from 2 submitters: Uncertain significance (2). Last evaluated 2025-03-07.

Conditions:
Hereditary cancer-predisposing syndrome. Also called: Neoplastic Syndromes, Hereditary; Hereditary neoplastic syndrome; Tumor predisposition; Hereditary Cancer Syndrome. Identifiers: Orphanet 140162, MedGen C0027672, MeSH D009386, MONDO:0015356.
Cardiovascular phenotype. Identifiers: MedGen CN230736.

Submissions (2):

Ambry Genetics
Classification: Uncertain significance for Cardiovascular phenotype; Hereditary cancer-predisposing syndrome. Last evaluated: 2025-03-07. Review status: criteria provided, single submitter. Criteria: Ambry Variant Classification Scheme 2023. Collection method: clinical testing. Allele origin: germline.
Comment: The p.V574G variant (also known as c.1721T>G), located in coding exon 15 of the LZTR1 gene, results from a T to G substitution at nucleotide position 1721. The valine at codon 574 is replaced by glycine, an amino acid with dissimilar properties. This amino acid position is conserved. In addition, this alteration is predicted to be deleterious by in silico analysis. Based on the available evidence, the clinical significance of this variant remains unclear.

Labcorp Genetics (formerly Invitae), Labcorp
Classification: Uncertain significance. Last evaluated: 2022-05-21. Review status: criteria provided, single submitter. Criteria: Invitae Variant Classification Sherloc (09022015). Collection method: clinical testing. Allele origin: germline.
Comment: In summary, the available evidence is currently insufficient to determine the role of this variant in disease. Therefore, it has been classified as a Variant of Uncertain Significance. Algorithms developed to predict the effect of missense changes on protein structure and function are either unavailable or do not agree on the potential impact of this missense change (SIFT: "Deleterious"; PolyPhen-2: "Possibly Damaging"; Align-GVGD: "Class C0"). This variant has not been reported in the literature in individuals affected with LZTR1-related conditions. This variant is not present in population databases (gnomAD no frequency). This sequence change replaces valine, which is neutral and non-polar, with glycine, which is neutral and non-polar, at codon 574 of the LZTR1 protein (p.Val574Gly).